The following is an entry in ClinVar:

ClinVar aggregate classification (germline): Uncertain significance (1 of 4 stars; one submission).

Submission:

GeneDx
Classification: Uncertain significance. Last evaluated: 2018-07-25. Review status: criteria provided, single submitter. Criteria: GeneDx Variant Classification (06012015). Collection method: clinical testing. Allele origin: germline. Affected: yes.
Comment: A variant of uncertain significance has been identified in the RYR1 gene. The C345W variant has not been published as a pathogenic variant, nor has it been reported as a benign variant to our knowledge. The C345W variant is not observed in large population cohorts (Lek et al., 2016; 1000 Genomes Consortium et al., 2015; Exome Variant Server). The C345W variant is a non-conservative amino acid substitution, which is likely to impact secondary protein structure as these residues differ in polarity, charge, size and/or other properties. This substitution occurs at a position that is conserved across species, and missense variants in nearby residues (G341R, E342K) have been reported in the Human Gene Mutation Database in association with malignant hyperthermia (Stenson et al., 2014). In silico analysis predicts this variant is probably damaging to the protein structure/function. Based on the currently available information, it is unclear whether this variant is a pathogenic variant or a rare benign variant.

NM_000540.3(RYR1):c.1035C>G (p.Cys345Trp)

Gene: RYR1 (ryanodine receptor 1; plus strand). Cytogenetic location: 19q13.2.
Variant type: single nucleotide variant.
Coding change: c.1035C>G on transcript NM_000540.3 (MANE Select); coding-DNA position 1035, C replaced by G.
Protein change: p.Cys345Trp; replaces cysteine 345 with tryptophan.
Molecular consequence: missense variant.
Genome position (GRCh38, 1-based): chr19:38,448,726, C>G. VCF-style: chr19-38448726-C-G. GRCh37 (hg19) VCF-style: chr19-38939366-C-G.
Other names: c.1035C>G, p.Cys345Trp (NM_001042723.2); short protein forms C345W.
Identifiers: ClinVar variation 432296 (VCV000432296.2), dbSNP rs1170304013, ClinGen allele CA405682886.